The following is an entry in ClinVar:

NM_000155.4(GALT):c.328+1G>A

Gene: GALT (galactose-1-phosphate uridylyltransferase; plus strand). Cytogenetic location: 9p13.3.
Variant type: single nucleotide variant.
Coding change: c.328+1G>A on transcript NM_000155.4 (MANE Select); the canonical splice donor site of the intron after coding-DNA position 328, G replaced by A.
Molecular consequence: splice donor variant. On other transcripts: intron variant (1).
Genome position (GRCh38, 1-based): chr9:34,647,568, G>A. VCF-style: chr9-34647568-G-A. GRCh37 (hg19) VCF-style: chr9-34647565-G-A.
Other names: c.51-264G>A (NM_001258332.2).
Identifiers: ClinVar variation 4817626 (VCV004817626.1).

ClinVar aggregate classification (germline): Pathogenic (1 of 4 stars; one submission).

Conditions:
Galactosemia. Also called: Galactose intolerance. Identifiers: Orphanet 352, MedGen C0016952, MONDO:0018116, HP:0004919. Disease mechanism: loss of function.

Submission:

Natera, Inc.
Classification: Pathogenic for Galactosemia. Last evaluated: 2025-03-24. Review status: criteria provided, single submitter. Criteria: Natera Variant Classification Schema (03/2026). Collection method: clinical testing. Allele origin: germline.
Comment: The c.328+1G>A variant in GALT is a canonical splice donor site variant predicted to affect pre-mRNA splicing, which may result in an abnormal transcript and altered protein product. This variant is expected to result in nonsense mediated decay, truncation, or a dysfunctional protein product. This variant is rare in the general population with a frequency below the threshold expected for the associated phenotype(s). This variant has been observed in one or more individuals affected with the associated recessive disease, as either homozygous or compound heterozygous with a second variant (PMID: 27176039). Given the available evidence, this variant is classified as Pathogenic.

Literature cited by the submitters: PubMed 27176039.